The following is an entry in ClinVar:

NM_138694.4(PKHD1):c.8480T>C (p.Leu2827Pro)

Gene: PKHD1 (PKHD1 ciliary IPT domain containing fibrocystin/polyductin; minus strand). Cytogenetic location: 6p12.3.
Variant type: single nucleotide variant.
Coding change: c.8480T>C on transcript NM_138694.4 (MANE Select); coding-DNA position 8480, T replaced by C.
Protein change: p.Leu2827Pro; replaces leucine 2827 with proline.
Molecular consequence: missense variant.
Genome position (GRCh38, 1-based): chr6:51,775,882, A>G on the plus strand (T>C on the coding strand, the complement: PKHD1 is on the minus strand). VCF-style: chr6-51775882-A-G. GRCh37 (hg19) VCF-style: chr6-51640680-A-G.
Other names: c.8480T>C, p.Leu2827Pro (NM_170724.3); short protein forms L2827P.
Identifiers: ClinVar variation 1314929 (VCV001314929.6), dbSNP rs776157924, ClinGen allele CA3851614.

ClinVar aggregate classification (germline): Conflicting classifications of pathogenicity. Review status: criteria provided, conflicting classifications (1 of 4 stars). 4 submissions from 4 submitters: Likely pathogenic (1); Uncertain significance (3). Last evaluated 2026-02-02.

Conditions:
Polycystic kidney disease 4 (PKD4). Also called: POLYCYSTIC KIDNEY AND HEPATIC DISEASE 1; POLYCYSTIC KIDNEY DISEASE, INFANTILE, TYPE I; POLYCYSTIC KIDNEY DISEASE 4 WITH OR WITHOUT POLYCYSTIC LIVER DISEASE; PKD3; Autosomal Recessive Polycystic Kidney Disease – PKHD1. Identifiers: MedGen C4540575, MONDO:0033004, OMIM 263200.

Allele frequency attached by ClinVar (database versions not stated): ExAC 0.00001; gnomAD 0.00001; gnomAD exomes 0.00001; TOPMed 0.00001.
gnomAD v4.1: 10 of 1,598,322 alleles (0.00063%); highest among the groups gnomAD compares: Admixed American, 0.0017%; no homozygotes.

Submissions (4):

Myriad Genetics, Inc.
Classification: Uncertain significance for Polycystic kidney disease 4. Last evaluated: 2026-02-02. Review status: criteria provided, single submitter. Criteria: Myriad Autosomal Dominant, Autosomal Recessive and X-Linked Classification Criteria (2023). Collection method: clinical testing. Allele origin: unknown.
Comment: NM_138694.3(PKHD1):c.8480T>C(L2827P) is a missense variant classified as a variant of uncertain significance in the context of autosomal recessive polycystic kidney disease, PKHD1-related. L2827P has been observed in a case with relevant disease (PMID: 39888183). Relevant functional assessments of this variant are not available in the literature. L2827P has been observed in referenced population frequency databases. In summary, there is insufficient evidence to classify NM_138694.3(PKHD1):c.8480T>C(L2827P) as pathogenic or benign. Please note: this variant was assessed in the context of healthy population screening.

Fulgent Genetics
Classification: Uncertain significance for Polycystic kidney disease 4. Last evaluated: 2024-05-14. Review status: criteria provided, single submitter. Criteria: ACMG Guidelines, 2015. Collection method: clinical testing. Allele origin: germline.

Women's Health and Genetics/Laboratory Corporation of America, LabCorp
Classification: Uncertain significance. Last evaluated: 2023-03-22. Review status: criteria provided, single submitter. Criteria: LabCorp Variant Classification Summary - May 2015. Collection method: clinical testing. Allele origin: germline.
Comment: Variant summary: PKHD1 c.8480T>C (p.Leu2827Pro) results in a non-conservative amino acid change located in the second G8 domain (IPR019316) of the encoded protein sequence. Four of five in-silico tools predict a damaging effect of the variant on protein function. The variant allele was found at a frequency of 8e-06 in 249824 control chromosomes. The available data on variant occurrences in the general population are insufficient to allow any conclusion about variant significance. To our knowledge, no occurrence of c.8480T>C in individuals affected with Polycystic Kidney And Hepatic Disease and no experimental evidence demonstrating its impact on protein function have been reported. One clinical diagnostic laboratory has submitted clinical-significance assessments for this variant to ClinVar after 2014 without evidence for independent evaluation. One laboratory classified the variant as likely pathogenic. Based on the evidence outlined above, the variant was classified as uncertain significance.

GeneDx
Classification: Likely pathogenic. Last evaluated: 2022-01-28. Review status: criteria provided, single submitter. Criteria: GeneDx Variant Classification Process June 2021. Collection method: clinical testing. Allele origin: germline. Affected: yes.
Comment: Not observed at a significant frequency in large population cohorts (gnomAD); In silico analysis supports that this missense variant has a deleterious effect on protein structure/function; Has not been previously published as pathogenic or benign to our knowledge

Literature cited by the submitters: PubMed 39888183 (cited by Myriad Genetics, Inc.).